The following is an entry in ClinVar:

NM_000732.6(CD3D):c.76A>G (p.Ile26Val)

Gene: CD3D (CD3 delta subunit of T-cell receptor complex; minus strand). Cytogenetic location: 11q23.3.
Variant type: single nucleotide variant.
Coding change: c.76A>G on transcript NM_000732.6 (MANE Select); coding-DNA position 76, A replaced by G.
Protein change: p.Ile26Val; replaces isoleucine 26 with valine.
Molecular consequence: missense variant.
Genome position (GRCh38, 1-based): chr11:118,340,573, T>C on the plus strand (A>G on the coding strand, the complement: CD3D is on the minus strand). VCF-style: chr11-118340573-T-C. GRCh37 (hg19) VCF-style: chr11-118211288-T-C.
Other names: c.76A>G, p.Ile26Val (NM_001040651.2); short protein forms I26V.
Identifiers: ClinVar variation 541672 (VCV000541672.10), dbSNP rs201374139, ClinGen allele CA229522885.

ClinVar aggregate classification (germline): Uncertain significance (1 of 4 stars; one submission).

Conditions:
Immunodeficiency 19 (IMD19). Also called: CD3-DELTA DEFICIENCY; SEVERE COMBINED IMMUNODEFICIENCY, T CELL-NEGATIVE, B CELL-POSITIVE, NK CELL-POSITIVE; SCID, T CELL-NEGATIVE, B CELL-POSITIVE, NK CELL-POSITIVE; IMMUNODEFICIENCY 19, SEVERE COMBINED. Identifiers: MedGen C3810147, MONDO:0014280, OMIM 615617.

Allele frequency attached by ClinVar (database versions not stated): gnomAD exomes below 0.00001 and 0.00002; gnomAD 0.00001; TOPMed 0.00001.
gnomAD v4.1: 27 of 1,613,408 alleles (0.0017%); highest among the groups gnomAD compares: African/African-American, 0.0027%; no homozygotes.

Submission:

Labcorp Genetics (formerly Invitae), Labcorp
Classification: Uncertain significance for Immunodeficiency 19. Last evaluated: 2025-11-24. Review status: criteria provided, single submitter. Criteria: Invitae Variant Classification Sherloc (09022015). Collection method: clinical testing. Allele origin: germline.
Comment: This sequence change replaces isoleucine, which is neutral and non-polar, with valine, which is neutral and non-polar, at codon 26 of the CD3D protein (p.Ile26Val). This variant is present in population databases (rs201374139, gnomAD 0.004%). This variant has not been reported in the literature in individuals affected with CD3D-related conditions. ClinVar contains an entry for this variant (Variation ID: 541672). An algorithm developed to predict the effect of missense changes on protein structure and function outputs the following: PolyPhen-2: "Benign". The valine amino acid residue is found in multiple mammalian species, which suggests that this missense change does not adversely affect protein function. In summary, the available evidence is currently insufficient to determine the role of this variant in disease. Therefore, it has been classified as a Variant of Uncertain Significance.